The following is an entry in ClinVar:

NM_005184.4(CALM3):c.24G>C (p.Glu8Asp)

Gene: CALM3 (calmodulin 3; plus strand). Cytogenetic location: 19q13.32.
Variant type: single nucleotide variant.
Coding change: c.24G>C on transcript NM_005184.4 (MANE Select); coding-DNA position 24, G replaced by C.
Protein change: p.Glu8Asp; replaces glutamic acid 8 with aspartic acid.
Molecular consequence: missense variant. On other transcripts: 5 prime UTR variant (4), intron variant (1).
Genome position (GRCh38, 1-based): chr19:46,605,847, G>C. VCF-style: chr19-46605847-G-C. GRCh37 (hg19) VCF-style: chr19-47109104-G-C.
Other names: c.-85G>C (NM_001329921.1, NM_001329923.1); c.24G>C, p.Glu8Asp (NM_001329922.1); c.-83G>C (NM_001329924.2); c.-77G>C (NM_001329926.2); c.-74-2350G>C (NM_001329925.2); short protein forms E8D.
Identifiers: ClinVar variation 1483977 (VCV001483977.6), dbSNP rs1001080500, ClinGen allele CA406470843.

ClinVar aggregate classification (germline): Uncertain significance (1 of 4 stars; one submission).

Conditions:
Long QT syndrome 1 (LQT1). Identifiers: Orphanet 101016, Orphanet 768, MedGen C4551647, MONDO:0100316, OMIM 192500, MONDO:0008646.

gnomAD v4.1: 1 of 1,614,128 alleles (0.000062%); highest among the groups gnomAD compares: Non-Finnish European, 0.000085%; no homozygotes.

Submission:

Labcorp Genetics (formerly Invitae), Labcorp
Classification: Uncertain significance for Long QT syndrome 1. Last evaluated: 2021-08-17. Review status: criteria provided, single submitter. Criteria: Invitae Variant Classification Sherloc (09022015). Collection method: clinical testing. Allele origin: germline.
Comment: Algorithms developed to predict the effect of missense changes on protein structure and function are either unavailable or do not agree on the potential impact of this missense change (SIFT: "Deleterious"; PolyPhen-2: "Benign"; Align-GVGD: "Class C0"). In summary, the available evidence is currently insufficient to determine the role of this variant in disease. Therefore, it has been classified as a Variant of Uncertain Significance. This variant has not been reported in the literature in individuals affected with CALM3-related conditions. This variant is not present in population databases (ExAC no frequency). This sequence change replaces glutamic acid with aspartic acid at codon 8 of the CALM3 protein (p.Glu8Asp). The glutamic acid residue is weakly conserved and there is a small physicochemical difference between glutamic acid and aspartic acid.